The following is an entry in ClinVar:

NM_001127671.2(LIFR):c.1471del (p.Ser491fs)

Gene: LIFR (LIF receptor subunit alpha; minus strand). Cytogenetic location: 5p13.1.
Variant type: Deletion.
Coding change: c.1471del on transcript NM_001127671.2 (MANE Select); coding-DNA position 1471, one base deleted (A; older notation c.1471delA).
Protein change: p.Ser491fs; shifts the reading frame from serine 491.
Molecular consequence: frameshift variant.
Genome position (GRCh38, 1-based): chr5:38,502,766, T deleted on the plus strand (A on the coding strand, the reverse complement: LIFR is on the minus strand); the first of 2 consecutive T bases (chr5:38,502,766-38,502,767); deleting either gives the same sequence. VCF-style (leftmost placement, unchanged base first): chr5-38502765-CT-C. GRCh37 (hg19) VCF-style: chr5-38502867-CT-C.
Other names: c.1471del, p.Ser491fs (NM_001364297.2, NM_001364298.2, NM_002310.6); short protein forms S491fs.
Identifiers: ClinVar variation 1358242 (VCV001358242.6), dbSNP rs1474195407, ClinGen allele CA559296139.

ClinVar aggregate classification (germline): Pathogenic (1 of 4 stars; one submission).

Submission:

Labcorp Genetics (formerly Invitae), Labcorp
Classification: Pathogenic. Last evaluated: 2021-02-06. Review status: criteria provided, single submitter. Criteria: Invitae Variant Classification Sherloc (09022015). Collection method: clinical testing. Allele origin: germline.
Comment: For these reasons, this variant has been classified as Pathogenic. This variant has not been reported in the literature in individuals with LIFR-related conditions. This variant is not present in population databases (ExAC no frequency). This sequence change creates a premature translational stop signal (p.Ser491Valfs*9) in the LIFR gene. It is expected to result in an absent or disrupted protein product. Loss-of-function variants in LIFR are known to be pathogenic (PMID: 14740318).

Literature cited by the submitters: PubMed 14740318.